The following is an entry in ClinVar:

ClinVar aggregate classification (germline): Uncertain significance (1 of 4 stars; one submission).

Conditions:
Fanconi anemia complementation group E (FANCE). Also called: FANCE-Related Fanconi Anemia. Identifiers: Orphanet 84, MedGen C3160739, MONDO:0010953, OMIM 600901.

Submission:

Labcorp Genetics (formerly Invitae), Labcorp
Classification: Uncertain significance for Fanconi anemia complementation group E. Last evaluated: 2024-02-24. Review status: criteria provided, single submitter. Criteria: Invitae Variant Classification Sherloc (09022015). Collection method: clinical testing. Allele origin: germline.
Comment: This sequence change replaces cysteine, which is neutral and slightly polar, with phenylalanine, which is neutral and non-polar, at codon 328 of the FANCE protein (p.Cys328Phe). This variant is not present in population databases (gnomAD no frequency). This variant has not been reported in the literature in individuals affected with FANCE-related conditions. ClinVar contains an entry for this variant (Variation ID: 1714432). Advanced modeling of protein sequence and biophysical properties (such as structural, functional, and spatial information, amino acid conservation, physicochemical variation, residue mobility, and thermodynamic stability) performed at Invitae indicates that this missense variant is expected to disrupt FANCE protein function with a positive predictive value of 80%. Algorithms developed to predict the effect of sequence changes on RNA splicing suggest that this variant may create or strengthen a splice site. In summary, the available evidence is currently insufficient to determine the role of this variant in disease. Therefore, it has been classified as a Variant of Uncertain Significance.

NM_021922.3(FANCE):c.983G>T (p.Cys328Phe)

Gene: FANCE (FA complementation group E; plus strand). Cytogenetic location: 6p21.31.
Variant type: single nucleotide variant.
Coding change: c.983G>T on transcript NM_021922.3 (MANE Select); coding-DNA position 983, G replaced by T.
Protein change: p.Cys328Phe; replaces cysteine 328 with phenylalanine.
Molecular consequence: missense variant.
Genome position (GRCh38, 1-based): chr6:35,458,310, G>T. VCF-style: chr6-35458310-G-T. GRCh37 (hg19) VCF-style: chr6-35426087-G-T.
Other names: c.983G>T, p.Cys328Phe (NM_001410876.1); short protein forms C328F.
Identifiers: ClinVar variation 1714432 (VCV001714432.6), dbSNP rs372935921, ClinGen allele CA363775055.